The following is an entry in ClinVar:

NM_001032382.2(PQBP1):c.291A>G (p.Ala97=)

Gene: PQBP1 (polyglutamine binding protein 1; plus strand). Cytogenetic location: Xp11.23.
Variant type: single nucleotide variant.
Coding change: c.291A>G on transcript NM_001032382.2 (MANE Select); coding-DNA position 291, A replaced by G.
Protein change: p.Ala97=; no amino-acid change (alanine 97 retained).
Molecular consequence: synonymous variant. On other transcripts: intron variant (1).
Genome position (GRCh38, 1-based): chrX:48,902,041, A>G. VCF-style: chrX-48902041-A-G. GRCh37 (hg19) VCF-style: chrX-48759318-A-G.
Other names: NC_000023.10:g.48759318A>G; c.291A>G, p.Ala97= (NM_001167989.2, NM_001437502.1, NM_005710.2 and 4 more transcripts); c.267A>G, p.Ala89= (NM_001167990.2); c.201+90A>G (NM_001167992.1).
Identifiers: ClinVar variation 4491460 (VCV004491460.2).

ClinVar aggregate classification (germline): Uncertain significance (1 of 4 stars; one submission).

Submissions (2):

GeneDx
Classification: Uncertain significance. Last evaluated: 2025-06-07. Review status: criteria provided, single submitter. Criteria: GeneDx Variant Classification Process June 2021. Collection method: clinical testing. Allele origin: germline. Affected: yes.
Comment: Not observed at significant frequency in large population cohorts (gnomAD); Has not been previously published as pathogenic or benign to our knowledge; In silico analysis suggests this variant may impact gene splicing. In the absence of RNA/functional studies, the actual effect of this sequence change is unknown.

Dr. Peter K. Rogan Lab, Western University
No classification provided (evidence only). Condition: Thyroid cancer, nonmedullary, 1. Review status: no classification provided. Collection method: in vitro. Allele origin: not applicable. Functional consequence: retained intron. Not counted in ClinVar's aggregate classification.